The following is an entry in ClinVar:

NM_004766.3(COPB2):c.1172C>G (p.Ala391Gly)

Gene: COPB2 (coat protein complex I subunit beta 2; minus strand). Cytogenetic location: 3q23.
Variant type: single nucleotide variant.
Coding change: c.1172C>G on transcript NM_004766.3 (MANE Select); coding-DNA position 1172, C replaced by G.
Protein change: p.Ala391Gly; replaces alanine 391 with glycine.
Molecular consequence: missense variant. On other transcripts: non-coding transcript variant (1).
Genome position (GRCh38, 1-based): chr3:139,371,756, G>C on the plus strand (C>G on the coding strand, the complement: COPB2 is on the minus strand). VCF-style: chr3-139371756-G-C. GRCh37 (hg19) VCF-style: chr3-139090598-G-C.
Other names: c.1085C>G, p.Ala362Gly (NM_001410834.1); short protein forms A391G, A362G.
Identifiers: ClinVar variation 5008240 (VCV005008240.1).

ClinVar aggregate classification (germline): Uncertain significance (1 of 4 stars; one submission).

Submission:

GeneDx
Classification: Uncertain significance. Last evaluated: 2026-03-12. Review status: criteria provided, single submitter. Criteria: GeneDx Variant Classification Process June 2021. Collection method: clinical testing. Allele origin: germline.
Comment: Not observed at significant frequency in large population cohorts (gnomAD); In silico analysis supports that this missense variant has a deleterious effect on protein structure/function; Has not been previously published as pathogenic or benign to our knowledge